The following is an entry in ClinVar:

ClinVar aggregate classification (germline): Uncertain significance (1 of 4 stars; one submission).

Submission:

GeneDx
Classification: Uncertain significance. Last evaluated: 2026-04-24. Review status: criteria provided, single submitter. Criteria: GeneDx Variant Classification Process June 2021. Collection method: clinical testing. Allele origin: germline.
Comment: Not observed at significant frequency in large population cohorts (gnomAD); In silico analysis suggests that this missense variant does not alter protein structure/function; Has not been previously published as pathogenic or benign to our knowledge

NM_017780.4(CHD7):c.1378C>G (p.Pro460Ala)

Gene: CHD7 (chromodomain helicase DNA binding protein 7; plus strand). Cytogenetic location: 8q12.2.
Variant type: single nucleotide variant.
Coding change: c.1378C>G on transcript NM_017780.4 (MANE Select); coding-DNA position 1378, C replaced by G.
Protein change: p.Pro460Ala; replaces proline 460 with alanine.
Molecular consequence: missense variant.
Genome position (GRCh38, 1-based): chr8:60,742,810, C>G. VCF-style: chr8-60742810-C-G. GRCh37 (hg19) VCF-style: chr8-61655369-C-G.
Other names: c.1378C>G, p.Pro460Ala (NM_001316690.1); short protein forms P460A.
Identifiers: ClinVar variation 5037489 (VCV005037489.1).